The following is an entry in ClinVar:

NM_000035.4(ALDOB):c.673del (p.Glu225fs)

Gene: ALDOB (aldolase, fructose-bisphosphate B; minus strand). Cytogenetic location: 9q31.1.
Variant type: Deletion.
Coding change: c.673del on transcript NM_000035.4 (MANE Select); coding-DNA position 673, one base deleted (G; older notation c.673delG).
Protein change: p.Glu225fs; shifts the reading frame from glutamic acid 225.
Molecular consequence: frameshift variant.
Genome position (GRCh38, 1-based): chr9:101,425,579, C deleted on the plus strand (G on the coding strand, the reverse complement: ALDOB is on the minus strand); the first of 2 consecutive C bases (chr9:101,425,579-101,425,580); deleting either gives the same sequence. VCF-style (leftmost placement, unchanged base first): chr9-101425578-TC-T. GRCh37 (hg19) VCF-style: chr9-104187860-TC-T.
Other names: c.673delG (NM_000035.3); short protein forms E225fs.
Identifiers: ClinVar variation 939513 (VCV000939513.13), dbSNP rs758133069, ClinGen allele CA5161505.

ClinVar aggregate classification (germline): Pathogenic/Likely pathogenic. Review status: criteria provided, multiple submitters, no conflicts (2 of 4 stars). 4 submissions from 4 submitters: Pathogenic (3); Likely pathogenic (1). Last evaluated 2024-08-29.

Conditions:
Hereditary fructosuria. Also called: Hereditary fructose intolerance; Fructose intolerance; ALDOB DEFICIENCY; ALDOLASE B DEFICIENCY; FRUCTOSE-1,6-BISPHOSPHATE ALDOLASE B DEFICIENCY; FRUCTOSE-1-PHOSPHATE ALDOLASE DEFICIENCY. Identifiers: Orphanet 469, MedGen C0016751, MONDO:0009249, OMIM 229600, HP:0005973. Disease mechanism: loss of function.

Submissions (4):

Natera, Inc.
Classification: Pathogenic for Fructose intolerance. Last evaluated: 2024-08-29. Review status: criteria provided, single submitter. Criteria: Natera Variant Classification Schema (03/2026). Collection method: clinical testing. Allele origin: germline.
Comment: The c.673delG variant in ALDOB is a frameshift variant predicted to shift the reading frame beginning at codon 225 and leads to a stop codon 5 codons downstream. This variant is expected to result in nonsense mediated decay, truncation, or a dysfunctional protein product. This variant is rare in the general population with a frequency below the threshold expected for the associated phenotype(s). This variant has been observed in one or more individuals affected with the associated recessive disease, as either homozygous or compound heterozygous with a second variant (PMID: 36028839). Given the available evidence, this variant is classified as Pathogenic.

Baylor Genetics
Classification: Pathogenic for Hereditary fructosuria. Last evaluated: 2024-03-23. Review status: criteria provided, single submitter. Criteria: ACMG Guidelines, 2015. Collection method: clinical testing. Allele origin: unknown.

Labcorp Genetics (formerly Invitae), Labcorp
Classification: Pathogenic for Hereditary fructosuria. Last evaluated: 2024-03-07. Review status: criteria provided, single submitter. Criteria: Invitae Variant Classification Sherloc (09022015). Collection method: clinical testing. Allele origin: germline.
Comment: This sequence change creates a premature translational stop signal (p.Glu225Argfs*5) in the ALDOB gene. It is expected to result in an absent or disrupted protein product. Loss-of-function variants in ALDOB are known to be pathogenic (PMID: 18541450). This variant is present in population databases (rs758133069, gnomAD 0.02%). This variant has not been reported in the literature in individuals affected with ALDOB-related conditions. ClinVar contains an entry for this variant (Variation ID: 939513). For these reasons, this variant has been classified as Pathogenic.

Fulgent Genetics
Classification: Likely pathogenic for Hereditary fructosuria. Last evaluated: 2024-02-15. Review status: criteria provided, single submitter. Criteria: ACMG Guidelines, 2015. Collection method: clinical testing. Allele origin: germline.

Literature cited by the submitters: PubMed 36028839 (cited by Natera, Inc.); PubMed 18541450 (cited by Labcorp Genetics (formerly Invitae), Labcorp).